The following is an entry in ClinVar:

NM_000075.4(CDK4):c.147T>G (p.Leu49=)

Genes: CDK4 (cyclin dependent kinase 4; minus strand), LOC130008148 (ATAC-STARR-seq lymphoblastoid silent region 4588; plus strand). Cytogenetic location: 12q14.1.
Variant type: single nucleotide variant.
Coding change: c.147T>G on transcript NM_000075.4 (MANE Select); coding-DNA position 147, T replaced by G.
Protein change: p.Leu49=; no amino-acid change (leucine 49 retained).
Molecular consequence: synonymous variant.
Genome position (GRCh38, 1-based): chr12:57,751,571, A>C on the plus strand (T>G on the coding strand, the complement: CDK4 is on the minus strand). VCF-style: chr12-57751571-A-C. GRCh37 (hg19) VCF-style: chr12-58145354-A-C.
Other names: c.147T>G (NM_000075.3).
Identifiers: ClinVar variation 3379073 (VCV003379073.2).

ClinVar aggregate classification (germline): Benign/Likely benign. Review status: criteria provided, multiple submitters, no conflicts (2 of 4 stars). 2 submissions from 2 submitters: Benign (1); Likely benign (1). Last evaluated 2025-02-23.

Conditions:
Melanoma, cutaneous malignant, susceptibility to, 3. Also called: Cutaneous malignant melanoma 3. Identifiers: Orphanet 618, MedGen C1836892, MONDO:0012183, OMIM 609048.
Hereditary cancer-predisposing syndrome. Also called: Neoplastic Syndromes, Hereditary; Tumor predisposition; Hereditary Cancer Syndrome; Hereditary neoplastic syndrome. Identifiers: Orphanet 140162, MedGen C0027672, MeSH D009386, MONDO:0015356.

Submissions (2):

Ambry Genetics
Classification: Likely benign for Hereditary cancer-predisposing syndrome. Last evaluated: 2025-02-23. Review status: criteria provided, single submitter. Criteria: Ambry Variant Classification Scheme 2023. Collection method: clinical testing. Allele origin: germline.

Myriad Genetics, Inc.
Classification: Benign for Melanoma, cutaneous malignant, susceptibility to, 3. Last evaluated: 2024-09-24. Review status: criteria provided, single submitter. Criteria: Myriad Autosomal Dominant, Autosomal Recessive and X-Linked Classification Criteria (2023). Collection method: clinical testing. Allele origin: unknown.
Comment: This variant is considered benign. This variant is a silent/synonymous amino acid change and it is not expected to impact splicing.